The following is an entry in ClinVar:

NM_000535.7(PMS2):c.2430A>T (p.Arg810Ser)

Gene: PMS2 (PMS1 homolog 2, mismatch repair system component; minus strand). Cytogenetic location: 7p22.1.
Variant type: single nucleotide variant.
Coding change: c.2430A>T on transcript NM_000535.7 (MANE Select); coding-DNA position 2430, A replaced by T.
Protein change: p.Arg810Ser; replaces arginine 810 with serine.
Molecular consequence: missense variant. On other transcripts: non-coding transcript variant (1).
Genome position (GRCh38, 1-based): chr7:5,977,603, T>A on the plus strand (A>T on the coding strand, the complement: PMS2 is on the minus strand). VCF-style: chr7-5977603-T-A. GRCh37 (hg19) VCF-style: chr7-6017234-T-A.
Other names: c.2025A>T, p.Arg675Ser (NM_001322003.2, NM_001322004.2, NM_001322005.2); c.2274A>T, p.Arg758Ser (NM_001322006.2); c.2112A>T, p.Arg704Ser (NM_001322007.2, NM_001322008.2); c.2058A>T, p.Arg686Ser (NM_001322009.2); c.1869A>T, p.Arg623Ser (NM_001322010.2); c.1497A>T, p.Arg499Ser (NM_001322011.2, NM_001322012.2); c.1857A>T, p.Arg619Ser (NM_001322013.2); c.2463A>T, p.Arg821Ser (NM_001322014.2); and 1 more; short protein forms R499S, R675S, R686S, R821S, R704S, R619S, R707S, R810S.
Identifiers: ClinVar variation 657934 (VCV000657934.9), dbSNP rs1583279606, ClinGen allele CA366735578.

ClinVar aggregate classification (germline): Uncertain significance. Review status: criteria provided, multiple submitters, no conflicts (2 of 4 stars). 2 submissions from 2 submitters: Uncertain significance (2). Last evaluated 2023-08-29.

Conditions:
Hereditary nonpolyposis colorectal neoplasms. Identifiers: MedGen C0009405, MeSH D003123.

Submissions (2):

Labcorp Genetics (formerly Invitae), Labcorp
Classification: Uncertain significance for Hereditary nonpolyposis colorectal neoplasms. Last evaluated: 2023-08-29. Review status: criteria provided, single submitter. Criteria: Invitae Variant Classification Sherloc (09022015). Collection method: clinical testing. Allele origin: germline.
Comment: This sequence change replaces arginine, which is basic and polar, with serine, which is neutral and polar, at codon 810 of the PMS2 protein (p.Arg810Ser). The frequency data for this variant in the population databases (gnomAD) is considered unreliable due to the presence of homologous sequence, such as pseudogenes or paralogs, in the genome. This variant has not been reported in the literature in individuals affected with PMS2-related conditions. ClinVar contains an entry for this variant (Variation ID: 657934). Advanced modeling of protein sequence and biophysical properties (such as structural, functional, and spatial information, amino acid conservation, physicochemical variation, residue mobility, and thermodynamic stability) performed at Invitae indicates that this missense variant is expected to disrupt PMS2 protein function. In summary, the available evidence is currently insufficient to determine the role of this variant in disease. Therefore, it has been classified as a Variant of Uncertain Significance.

GeneDx
Classification: Uncertain significance. Last evaluated: 2022-04-28. Review status: criteria provided, single submitter. Criteria: GeneDx Variant Classification Process June 2021. Collection method: clinical testing. Allele origin: germline. Affected: yes.
Comment: Not observed at significant frequency in large population cohorts (gnomAD); In silico analysis supports that this missense variant has a deleterious effect on protein structure/function; Has not been previously published as pathogenic or benign to our knowledge; This variant is associated with the following publications: (PMID: Fukui2011[Chapter], 18619468)